The following is an entry in ClinVar:

NM_152743.4(BRAT1):c.2138G>A (p.Arg713His)

Gene: BRAT1 (BRCA1 associated ATM activator 1; minus strand). Cytogenetic location: 7p22.3.
Variant type: single nucleotide variant.
Coding change: c.2138G>A on transcript NM_152743.4 (MANE Select); coding-DNA position 2138, G replaced by A.
Protein change: p.Arg713His; replaces arginine 713 with histidine.
Molecular consequence: missense variant. On other transcripts: non-coding transcript variant (1).
Genome position (GRCh38, 1-based): chr7:2,538,397, C>T on the plus strand (G>A on the coding strand, the complement: BRAT1 is on the minus strand). VCF-style: chr7-2538397-C-T. GRCh37 (hg19) VCF-style: chr7-2578031-C-T.
Other names: c.2318G>A, p.Arg773His (NM_001350626.2); c.1613G>A, p.Arg538His (NM_001350627.2); short protein forms R713H, R538H, R773H.
Identifiers: ClinVar variation 651838 (VCV000651838.6), dbSNP rs1378548122, ClinGen allele CA366624500.

ClinVar aggregate classification (germline): Uncertain significance (1 of 4 stars; one submission).

Conditions:
Neonatal-onset encephalopathy with rigidity and seizures. Also called: Lethal neonatal spasticity-epileptic encephalopathy syndrome. Identifiers: Orphanet 435845, MedGen C3281029, MONDO:0013784, OMIM 614498.

Allele frequency attached by ClinVar (database versions not stated): gnomAD 0.00001; gnomAD exomes 0.00001; TOPMed 0.00001.
gnomAD v4.1: 10 of 1,613,424 alleles (0.00062%); highest among the groups gnomAD compares: African/African-American, 0.0027%; 1 homozygote.

Submission:

Labcorp Genetics (formerly Invitae), Labcorp
Classification: Uncertain significance for Neonatal-onset encephalopathy with rigidity and seizures. Last evaluated: 2022-09-01. Review status: criteria provided, single submitter. Criteria: Invitae Variant Classification Sherloc (09022015). Collection method: clinical testing. Allele origin: germline.
Comment: In summary, the available evidence is currently insufficient to determine the role of this variant in disease. Therefore, it has been classified as a Variant of Uncertain Significance. Algorithms developed to predict the effect of missense changes on protein structure and function are either unavailable or do not agree on the potential impact of this missense change (SIFT: "Deleterious"; PolyPhen-2: "Probably Damaging"; Align-GVGD: "Class C0"). ClinVar contains an entry for this variant (Variation ID: 651838). This variant has not been reported in the literature in individuals affected with BRAT1-related conditions. This variant is present in population databases (no rsID available, gnomAD 0.01%). This sequence change replaces arginine, which is basic and polar, with histidine, which is basic and polar, at codon 713 of the BRAT1 protein (p.Arg713His).